The following is an entry in ClinVar:

ClinVar aggregate classification (germline): Uncertain significance (1 of 4 stars; one submission).

Conditions:
Early-infantile DEE. Also called: Ohtahara syndrome; Early infantile epileptic encephalopathy; Early infantile epileptic encephalopathy with suppression bursts. Identifiers: Orphanet 1934, MedGen C0393706, MONDO:0800491.

Submission:

Labcorp Genetics (formerly Invitae), Labcorp
Classification: Uncertain significance for Early-infantile DEE. Last evaluated: 2022-11-19. Review status: criteria provided, single submitter. Criteria: Invitae Variant Classification Sherloc (09022015). Collection method: clinical testing. Allele origin: germline.
Comment: This sequence change replaces proline, which is neutral and non-polar, with serine, which is neutral and polar, at codon 34 of the ARHGEF15 protein (p.Pro34Ser). This variant is not present in population databases (gnomAD no frequency). This variant has not been reported in the literature in individuals affected with ARHGEF15-related conditions. Algorithms developed to predict the effect of missense changes on protein structure and function output the following: SIFT: "Deleterious"; PolyPhen-2: "Benign"; Align-GVGD: "Class C0". The serine amino acid residue is found in multiple mammalian species, which suggests that this missense change does not adversely affect protein function. In summary, the available evidence is currently insufficient to determine the role of this variant in disease. Therefore, it has been classified as a Variant of Uncertain Significance.

NM_173728.4(ARHGEF15):c.100C>T (p.Pro34Ser)

Gene: ARHGEF15 (Rho guanine nucleotide exchange factor 15; plus strand). Cytogenetic location: 17p13.1.
Variant type: single nucleotide variant.
Coding change: c.100C>T on transcript NM_173728.4 (MANE Select); coding-DNA position 100, C replaced by T.
Protein change: p.Pro34Ser; replaces proline 34 with serine.
Molecular consequence: missense variant.
Genome position (GRCh38, 1-based): chr17:8,312,139, C>T. VCF-style: chr17-8312139-C-T. GRCh37 (hg19) VCF-style: chr17-8215457-C-T.
Other names: c.100C>T, p.Pro34Ser (NM_025014.2); short protein forms P34S.
Identifiers: ClinVar variation 2782509 (VCV002782509.3), dbSNP rs1904665022, ClinGen allele CA398013380.